The following is an entry in ClinVar:

NM_022835.3(PLEKHG2):c.1074C>T (p.Gly358=)

Gene: PLEKHG2 (pleckstrin homology and RhoGEF domain containing G2; plus strand). Cytogenetic location: 19q13.2.
Variant type: single nucleotide variant.
Coding change: c.1074C>T on transcript NM_022835.3 (MANE Select); coding-DNA position 1074, C replaced by T.
Protein change: p.Gly358=; no amino-acid change (glycine 358 retained).
Molecular consequence: synonymous variant.
Genome position (GRCh38, 1-based): chr19:39,418,096, C>T. VCF-style: chr19-39418096-C-T. GRCh37 (hg19) VCF-style: chr19-39908736-C-T.
Other names: c.897C>T, p.Gly299= (NM_001351693.2); c.1074C>T, p.Gly358= (NM_001351694.2).
Identifiers: ClinVar variation 750058 (VCV000750058.11), dbSNP rs370423704, ClinGen allele CA9429324.

ClinVar aggregate classification (germline): Likely benign. Review status: criteria provided, single submitter (1 of 4 stars). 2 submissions from 2 submitters: Likely benign (1). 1 of the submissions does not count toward it. Last evaluated 2025-10-24.

Conditions:
PLEKHG2-related disorder. Also called: PLEKHG2-related condition.

Allele frequency attached by ClinVar (database versions not stated): TOPMed 0.00008; gnomAD 0.00011; ESP Exome Variant Server 0.00015; 1000 Genomes Project 30x 0.00016; gnomAD exomes 0.00017; 1000 Genomes Project 0.00020; ExAC 0.00034.

Submissions (2):

Labcorp Genetics (formerly Invitae), Labcorp
Classification: Likely benign. Last evaluated: 2025-10-24. Review status: criteria provided, single submitter. Criteria: Invitae Variant Classification Sherloc (09022015). Collection method: clinical testing. Allele origin: germline.

PreventionGenetics, part of Exact Sciences
Classification: Likely benign for PLEKHG2-related condition. Last evaluated: 2020-04-02. Review status: no assertion criteria provided. Collection method: clinical testing. Allele origin: germline. Not counted in ClinVar's aggregate classification.
Comment: This variant is classified as likely benign based on ACMG/AMP sequence variant interpretation guidelines (Richards et al. 2015 PMID: 25741868, with internal and published modifications).